The following is an entry in ClinVar:

ClinVar aggregate classification (germline): Uncertain significance. Review status: criteria provided, multiple submitters, no conflicts (2 of 4 stars). 3 submissions from 3 submitters: Uncertain significance (3). Last evaluated 2024-12-02.

Conditions:
Neuropathy, hereditary sensory and autonomic, type 2A (HSAN2A). Also called: MORVAN DISEASE; NEUROPATHY, CONGENITAL SENSORY; NEUROPATHY, HEREDITARY SENSORY RADICULAR, AUTOSOMAL RECESSIVE; NEUROPATHY, HEREDITARY SENSORY, TYPE IIA; NEUROPATHY, PROGRESSIVE SENSORY, OF CHILDREN; ACROOSTEOLYSIS, GIACCAI TYPE. Identifiers: Orphanet 970, MedGen C2752089, MONDO:0024309, OMIM 201300.
Pseudohypoaldosteronism type 2C (PHA2C). Also called: Pseudohypoaldosteronism Type IIC. Identifiers: Orphanet 757, Orphanet 88940, MedGen C1840391, MONDO:0013778, OMIM 614492.
Inborn genetic diseases. Identifiers: MedGen C0950123, MeSH D030342.

Allele frequency attached by ClinVar (database versions not stated): TOPMed below 0.00001; gnomAD exomes 0.00001.
gnomAD v4.1: 4 of 1,614,030 alleles (0.00025%); highest among the groups gnomAD compares: Non-Finnish European, 0.00025%; no homozygotes.

Submissions (3):

Women's Health and Genetics/Laboratory Corporation of America, LabCorp
Classification: Uncertain significance. Last evaluated: 2024-12-02. Review status: criteria provided, single submitter. Criteria: LabCorp Variant Classification Summary - May 2015. Collection method: clinical testing. Allele origin: germline.
Comment: Variant summary: WNK1 c.6952A>C (p.Lys2318Gln) results in a conservative amino acid change in the encoded protein sequence. Three of five in-silico tools predict a benign effect of the variant on protein function. The variant allele was found at a frequency of 4e-06 in 251454 control chromosomes. The available data on variant occurrences in the general population are insufficient to allow any conclusion about variant significance. To our knowledge, no occurrence of c.6952A>C in individuals affected with Neuropathy, hereditary sensory and autonomic, type 2A and no experimental evidence demonstrating its impact on protein function have been reported. ClinVar contains an entry for this variant (Variation ID: 1760244). Based on the evidence outlined above, the variant was classified as uncertain significance.

Labcorp Genetics (formerly Invitae), Labcorp
Classification: Uncertain significance for Neuropathy, hereditary sensory and autonomic, type 2A; Pseudohypoaldosteronism type 2C. Last evaluated: 2024-04-02. Review status: criteria provided, single submitter. Criteria: Invitae Variant Classification Sherloc (09022015). Collection method: clinical testing. Allele origin: germline.
Comment: This sequence change replaces lysine, which is basic and polar, with glutamine, which is neutral and polar, at codon 2570 of the WNK1 protein (p.Lys2570Gln). This variant is present in population databases (no rsID available, gnomAD 0.0009%). This variant has not been reported in the literature in individuals affected with WNK1-related conditions. ClinVar contains an entry for this variant (Variation ID: 1760244). Advanced modeling of protein sequence and biophysical properties (such as structural, functional, and spatial information, amino acid conservation, physicochemical variation, residue mobility, and thermodynamic stability) performed at Invitae indicates that this missense variant is not expected to disrupt WNK1 protein function with a negative predictive value of 95%. In summary, the available evidence is currently insufficient to determine the role of this variant in disease. Therefore, it has been classified as a Variant of Uncertain Significance.

Ambry Genetics
Classification: Uncertain significance for Inborn genetic diseases. Last evaluated: 2020-03-21. Review status: criteria provided, single submitter. Criteria: Ambry Variant Classification Scheme 2023. Collection method: clinical testing. Allele origin: germline.
Comment: The p.K2570Q variant (also known as c.7708A>C), located in coding exon 28 of the WNK1 gene, results from an A to C substitution at nucleotide position 7708. The lysine at codon 2570 is replaced by glutamine, an amino acid with similar properties. This amino acid position is well conserved in available vertebrate species. In addition, the in silico prediction for this alteration is inconclusive. Since supporting evidence is limited at this time, the clinical significance of this alteration remains unclear.

NM_018979.4(WNK1):c.6952A>C (p.Lys2318Gln)

Gene: WNK1 (WNK lysine deficient protein kinase 1; plus strand). Cytogenetic location: 12p13.33.
Variant type: single nucleotide variant.
Coding change: c.6952A>C on transcript NM_018979.4 (MANE Select); coding-DNA position 6952, A replaced by C.
Protein change: p.Lys2318Gln; replaces lysine 2318 with glutamine.
Molecular consequence: missense variant.
Genome position (GRCh38, 1-based): chr12:908,595, A>C. VCF-style: chr12-908595-A-C. GRCh37 (hg19) VCF-style: chr12-1017761-A-C.
Other names: c.7732A>C, p.Lys2578Gln (NM_001184985.2); c.6208A>C, p.Lys2070Gln (NM_014823.3); c.7708A>C, p.Lys2570Gln (NM_213655.5); short protein forms K2570Q, K2318Q, K2578Q, K2070Q.
Identifiers: ClinVar variation 1760244 (VCV001760244.6), dbSNP rs1323400413, ClinGen allele CA383340992.
Genomic context (GRCh38, chr12:908,595, plus strand): 5'-AACCTGGGTGGCTCTGCCCCCATCTCTGCAGCATCAGCTACCTCTCTAGGTCACTTCACC[A>C]AGTCTATGTGCCCCCCACAGCAGTATGGCTTTCCAGCTACCCCATTTGGCGCTCAATGGA-3'
Protein context (NP_061852.3, residues 2308-2328): ASATSLGHFT[Lys2318Gln]SMCPPQQYGF